The following continues an entry in ClinVar:

NM_000152.5(GAA):c.1286A>G (p.Gln429Arg)

Gene: GAA. ClinVar aggregate classification (germline): Benign. Benign (1).

Submissions 16 to 24 of 24:

Dr. Peter K. Rogan Lab, Western University
No classification provided (evidence only). Condition: Familial cancer of breast. Review status: no classification provided. Collection method: in vitro. Allele origin: not applicable. Functional consequence: retained intron. Not counted in ClinVar's aggregate classification.

Dr. Peter K. Rogan Lab, Western University
No classification provided (evidence only). Condition: Thyroid cancer, nonmedullary, 1. Review status: no classification provided. Collection method: in vitro. Allele origin: not applicable. Functional consequence: retained intron. Not counted in ClinVar's aggregate classification.

Dr. Peter K. Rogan Lab, Western University
No classification provided (evidence only). Condition: Thyroid cancer, nonmedullary, 1. Review status: no classification provided. Collection method: in vitro. Allele origin: not applicable. Functional consequence: retained intron. Not counted in ClinVar's aggregate classification.

Dr. Peter K. Rogan Lab, Western University
No classification provided (evidence only). Condition: Malignant lymphoma, large B-cell, diffuse. Review status: no classification provided. Collection method: in vitro. Allele origin: not applicable. Functional consequence: retained intron. Not counted in ClinVar's aggregate classification.

Dr. Peter K. Rogan Lab, Western University
No classification provided (evidence only). Condition: Hepatocellular carcinoma. Review status: no classification provided. Collection method: in vitro. Allele origin: not applicable. Functional consequence: retained intron. Not counted in ClinVar's aggregate classification.

Dr. Peter K. Rogan Lab, Western University
No classification provided (evidence only). Condition: Gastric cancer. Review status: no classification provided. Collection method: in vitro. Allele origin: not applicable. Functional consequence: retained intron. Not counted in ClinVar's aggregate classification.

Dr. Peter K. Rogan Lab, Western University
No classification provided (evidence only). Condition: Gastric cancer. Review status: no classification provided. Collection method: in vitro. Allele origin: not applicable. Functional consequence: retained intron. Not counted in ClinVar's aggregate classification.

Dr. Peter K. Rogan Lab, Western University
No classification provided (evidence only). Condition: Malignant tumor of esophagus. Review status: no classification provided. Collection method: in vitro. Allele origin: not applicable. Functional consequence: retained intron. Not counted in ClinVar's aggregate classification.

Dr. Peter K. Rogan Lab, Western University
No classification provided (evidence only). Condition: Malignant tumor of esophagus. Review status: no classification provided. Collection method: in vitro. Allele origin: not applicable. Functional consequence: retained intron. Not counted in ClinVar's aggregate classification.

Literature cited by the submitters: PubMed 25466677 (cited by 3 submitters); PubMed 31076647 (cited by Women's Health and Genetics/Laboratory Corporation of America, LabCorp); PubMed 27183828 (cited by Women's Health and Genetics/Laboratory Corporation of America, LabCorp).